The following is an entry in ClinVar:

NM_033380.3(COL4A5):c.2096G>A (p.Gly699Glu)

Gene: COL4A5 (collagen type IV alpha 5 chain; plus strand). Cytogenetic location: Xq22.3.
Variant type: single nucleotide variant.
Coding change: c.2096G>A on transcript NM_033380.3 (MANE Select); coding-DNA position 2096, G replaced by A.
Protein change: p.Gly699Glu; replaces glycine 699 with glutamic acid.
Molecular consequence: missense variant.
Genome position (GRCh38, 1-based): chrX:108,601,939, G>A. VCF-style: chrX-108601939-G-A. GRCh37 (hg19) VCF-style: chrX-107845169-G-A.
Other names: c.2096G>A, p.Gly699Glu (NM_000495.5); short protein forms G699E.
Identifiers: ClinVar variation 2627800 (VCV002627800.1), dbSNP rs2524328643, ClinGen allele CA413847005.

ClinVar aggregate classification (germline): Likely pathogenic (0 of 4 stars; one submission).

Conditions:
X-linked Alport syndrome (ATS1). Also called: NEPHROPATHY AND DEAFNESS, X-LINKED; COL4A5-Related Nephropathy. Identifiers: Orphanet 63, Orphanet 88917, MedGen C4746986, MONDO:0010520, OMIM 301050.

Submission:

Medical Genetics Department, Charles Nicolle Hospital Tunis
Classification: Likely pathogenic for X-linked Alport syndrome. Last evaluated: 2022-09-05. Review status: no assertion criteria provided. Collection method: clinical testing. Allele origin: inherited. Inheritance: X-linked dominant inheritance. Affected: yes. Observed: 1 hemizygote.
Comment: The novel Gly699Glu variant is located in the conserved GLY-X-Y triple helical domain of the COL4A5 gene. This novel variation was identified in three Tunisian patients in a hemizygous state and in the heterozygous state in their mother. In silico studies indicate that the Gly699Glu variant is likely pathogenic. In summary, the Gly699Glu variant meets our criteria for classification as likely pathogenic, based on segregation studies, absence in control samples, and bioinformatic analysis

Literature cited by the submitters: DOI 10.3389/fmed.2022.841391.